The following is an entry in ClinVar:

NM_001005361.3(DNM2):c.2555C>T (p.Pro852Leu)

Gene: DNM2 (dynamin 2; plus strand). Cytogenetic location: 19p13.2.
Variant type: single nucleotide variant.
Coding change: c.2555C>T on transcript NM_001005361.3 (MANE Select); coding-DNA position 2555, C replaced by T.
Protein change: p.Pro852Leu; replaces proline 852 with leucine.
Molecular consequence: missense variant.
Genome position (GRCh38, 1-based): chr19:10,830,989, C>T. VCF-style: chr19-10830989-C-T. GRCh37 (hg19) VCF-style: chr19-10941665-C-T.
Other names: c.2555C>T, p.Pro852Leu (NM_001005360.3); c.2543C>T, p.Pro848Leu (NM_001005362.3, NM_004945.4); c.2552C>T, p.Pro851Leu (NM_001190716.2); short protein forms P852L, P851L, P848L.
Identifiers: ClinVar variation 2803893 (VCV002803893.3), dbSNP rs2513382980, ClinGen allele CA404044498.

ClinVar aggregate classification (germline): Uncertain significance (1 of 4 stars; one submission).

Conditions:
Charcot-Marie-Tooth disease dominant intermediate B (CMTDIB). Also called: CHARCOT-MARIE-TOOTH NEUROPATHY, DOMINANT INTERMEDIATE B; Charcot-Marie-Tooth disease dominant intermediate 1; CMT DI1; Charcot-Marie-Tooth disease dominant intermediate I. Identifiers: Orphanet 100044, Orphanet 228179, MedGen C1847902, MONDO:0011674, OMIM 606482.

Submission:

Labcorp Genetics (formerly Invitae), Labcorp
Classification: Uncertain significance for Charcot-Marie-Tooth disease dominant intermediate B. Last evaluated: 2023-05-11. Review status: criteria provided, single submitter. Criteria: Invitae Variant Classification Sherloc (09022015). Collection method: clinical testing. Allele origin: germline.
Comment: This variant has not been reported in the literature in individuals affected with DNM2-related conditions. In summary, the available evidence is currently insufficient to determine the role of this variant in disease. Therefore, it has been classified as a Variant of Uncertain Significance. Advanced modeling of protein sequence and biophysical properties (such as structural, functional, and spatial information, amino acid conservation, physicochemical variation, residue mobility, and thermodynamic stability) has been performed at Invitae for this missense variant, however the output from this modeling did not meet the statistical confidence thresholds required to predict the impact of this variant on DNM2 protein function. This variant is not present in population databases (gnomAD no frequency). This sequence change replaces proline, which is neutral and non-polar, with leucine, which is neutral and non-polar, at codon 852 of the DNM2 protein (p.Pro852Leu).